The following is an entry in ClinVar:

NM_005061.3(RPL3L):c.724C>T (p.Arg242Trp)

Gene: RPL3L (ribosomal protein L3 like; minus strand). Cytogenetic location: 16p13.3.
Variant type: single nucleotide variant.
Coding change: c.724C>T on transcript NM_005061.3 (MANE Select); coding-DNA position 724, C replaced by T.
Protein change: p.Arg242Trp; replaces arginine 242 with tryptophan.
Molecular consequence: missense variant.
Genome position (GRCh38, 1-based): chr16:1,947,063, G>A on the plus strand (C>T on the coding strand, the complement: RPL3L is on the minus strand). VCF-style: chr16-1947063-G-A. GRCh37 (hg19) VCF-style: chr16-1997064-G-A.
Other names: short protein forms R242W.
Identifiers: ClinVar variation 718039 (VCV000718039.17), dbSNP rs147972626, ClinGen allele CA7822768.

ClinVar aggregate classification (germline): Benign/Likely benign. Review status: criteria provided, multiple submitters, no conflicts (2 of 4 stars). 3 submissions from 3 submitters: Benign (2); Likely benign (1). Last evaluated 2025-01-01.

Allele frequency attached by ClinVar (database versions not stated): 1000 Genomes Project 30x 0.00219; 1000 Genomes Project 0.00240; ESP Exome Variant Server 0.00346; TOPMed 0.00378; ExAC 0.00379; gnomAD exomes 0.00426 and 0.00518; gnomAD 0.00430.
gnomAD v4.1: 8,214 of 1,613,544 alleles (0.51%); highest among the groups gnomAD compares: Non-Finnish European, 0.54%; 44 homozygotes.

Submissions (3):

CeGaT Center for Human Genetics Tuebingen
Classification: Likely benign. Last evaluated: 2025-01-01. Review status: criteria provided, single submitter. Criteria: CeGaT Center For Human Genetics Tuebingen Variant Classification Criteria Version 2. Collection method: clinical testing. Allele origin: germline. Affected: yes. Observed: 1 variant allele.
Comment: RPL3L: BS2

Labcorp Genetics (formerly Invitae), Labcorp
Classification: Benign. Last evaluated: 2018-01-19. Review status: criteria provided, single submitter. Criteria: Invitae Variant Classification Sherloc (09022015). Collection method: clinical testing. Allele origin: germline.

Breakthrough Genomics
Classification: Benign. Review status: criteria provided, single submitter. Criteria: ACMG Guidelines, 2015. Collection method: not provided. Allele origin: germline. Inheritance: Autosomal recessive inheritance. Affected: yes.